The following is an entry in ClinVar:

NM_005228.5(EGFR):c.1700T>C (p.Met567Thr)

Gene: EGFR (epidermal growth factor receptor; plus strand). Cytogenetic location: 7p11.2.
Variant type: single nucleotide variant.
Coding change: c.1700T>C on transcript NM_005228.5 (MANE Select); coding-DNA position 1700, T replaced by C.
Protein change: p.Met567Thr; replaces methionine 567 with threonine.
Molecular consequence: missense variant.
Genome position (GRCh38, 1-based): chr7:55,163,801, T>C. VCF-style: chr7-55163801-T-C. GRCh37 (hg19) VCF-style: chr7-55231494-T-C.
Other names: c.1565T>C, p.Met522Thr (NM_001346897.2, NM_001346899.2); c.1700T>C, p.Met567Thr (NM_001346898.2, NM_201282.2, NM_201284.2); c.1541T>C, p.Met514Thr (NM_001346900.2); c.899T>C, p.Met300Thr (NM_001346941.2); short protein forms M514T, M567T, M300T, M522T.
Identifiers: ClinVar variation 2122817 (VCV002122817.4), dbSNP rs2128944771, ClinGen allele CA367580550.

ClinVar aggregate classification (germline): Uncertain significance (1 of 4 stars; one submission).

Conditions:
EGFR-related lung cancer (EGFR). Identifiers: MedGen CN130014.

Allele frequency attached by ClinVar (database versions not stated): gnomAD exomes below 0.00001.
gnomAD v4.1: 1 of 1,614,212 alleles (0.000062%); highest among the groups gnomAD compares: Non-Finnish European, 0.000085%; no homozygotes.

Submission:

Labcorp Genetics (formerly Invitae), Labcorp
Classification: Uncertain significance for EGFR-related lung cancer. Last evaluated: 2022-04-07. Review status: criteria provided, single submitter. Criteria: Invitae Variant Classification Sherloc (09022015). Collection method: clinical testing. Allele origin: germline.
Comment: This sequence change replaces methionine, which is neutral and non-polar, with threonine, which is neutral and polar, at codon 567 of the EGFR protein (p.Met567Thr). This variant is not present in population databases (gnomAD no frequency). In summary, the available evidence is currently insufficient to determine the role of this variant in disease. Therefore, it has been classified as a Variant of Uncertain Significance. Algorithms developed to predict the effect of missense changes on protein structure and function (SIFT, PolyPhen-2, Align-GVGD) all suggest that this variant is likely to be tolerated. This variant has not been reported in the literature in individuals affected with EGFR-related conditions.